The following is an entry in ClinVar:

NM_058195.4(CDKN2A):c.48C>T (p.Gly16=)

Gene: CDKN2A (cyclin dependent kinase inhibitor 2A; minus strand). Cytogenetic location: 9p21.3.
Variant type: single nucleotide variant.
Coding change: c.48C>T on transcript NM_058195.4 (MANE Plus Clinical); coding-DNA position 48, C replaced by T.
Protein change: p.Gly16=; no amino-acid change (glycine 16 retained).
Molecular consequence: synonymous variant. On other transcripts: intron variant (1).
Genome position (GRCh38, 1-based): chr9:21,994,284, G>A on the plus strand (C>T on the coding strand, the complement: CDKN2A is on the minus strand). VCF-style: chr9-21994284-G-A. GRCh37 (hg19) VCF-style: chr9-21994283-G-A.
Other names: c.-4+537C>T (NM_001363763.2).
Identifiers: ClinVar variation 185912 (VCV000185912.13), dbSNP rs786202556, ClinGen allele CA193344.

ClinVar aggregate classification (germline): Conflicting classifications of pathogenicity. Review status: criteria provided, conflicting classifications (1 of 4 stars). 4 submissions from 4 submitters: Uncertain significance (1); Benign (1); Likely benign (2). Last evaluated 2025-08-12.

Conditions:
Familial melanoma. Also called: Hereditary melanoma; Hereditary cutaneous melanoma. Identifiers: Orphanet 618, MedGen C1512419, MONDO:0018961.
Hereditary cancer-predisposing syndrome. Also called: Hereditary Cancer Syndrome; Tumor predisposition; Neoplastic Syndromes, Hereditary; Hereditary neoplastic syndrome. Identifiers: Orphanet 140162, MedGen C0027672, MeSH D009386, MONDO:0015356.
Melanoma-pancreatic cancer syndrome. Identifiers: Orphanet 404560, MedGen C1838547, MONDO:0011713, OMIM 606719. Disease mechanism: loss of function.

Allele frequency attached by ClinVar (database versions not stated): TOPMed 0.00001; gnomAD exomes below 0.00001.
gnomAD v4.1: 1 of 1,603,856 alleles (0.000062%); highest among the groups gnomAD compares: East Asian, 0.0022%; no homozygotes.

Submissions (4):

Myriad Genetics, Inc.
Classification: Benign for Melanoma-pancreatic cancer syndrome. Last evaluated: 2025-08-12. Review status: criteria provided, single submitter. Criteria: Myriad Autosomal Dominant, Autosomal Recessive and X-Linked Classification Criteria (2023). Collection method: clinical testing. Allele origin: unknown.
Comment: This variant is considered benign. This variant is a silent/synonymous amino acid change and it is not expected to impact splicing.

Labcorp Genetics (formerly Invitae), Labcorp
Classification: Uncertain significance for Familial melanoma. Last evaluated: 2021-10-21. Review status: criteria provided, single submitter. Criteria: Invitae Variant Classification Sherloc (09022015). Collection method: clinical testing. Allele origin: germline.
Comment: This sequence change affects codon 16 of the CDKN2A (p14ARF) mRNA. It is a 'silent' change, meaning that it does not change the encoded amino acid sequence of the CDKN2A (p14ARF) protein. This variant is not present in population databases (ExAC no frequency). This variant has not been reported in the literature in individuals affected with CDKN2A (p14ARF)-related conditions. ClinVar contains an entry for this variant (Variation ID: 185912). Algorithms developed to predict the effect of sequence changes on RNA splicing suggest that this variant may create or strengthen a splice site. In summary, the available evidence is currently insufficient to determine the role of this variant in disease. Therefore, it has been classified as a Variant of Uncertain Significance.

GeneDx
Classification: Likely benign. Last evaluated: 2019-10-17. Review status: criteria provided, single submitter. Criteria: GeneDx Variant Classification Process June 2021. Collection method: clinical testing. Allele origin: germline. Affected: yes.
Comment: Has not been previously published as pathogenic or benign to our knowledge

Ambry Genetics
Classification: Likely benign for Hereditary cancer-predisposing syndrome. Last evaluated: 2014-08-17. Review status: criteria provided, single submitter. Criteria: Ambry Variant Classification Scheme 2023. Collection method: clinical testing. Allele origin: germline.